The following is an entry in ClinVar:

NM_005184.4(CALM3):c.66G>C (p.Lys22Asn)

Gene: CALM3 (calmodulin 3; plus strand). Cytogenetic location: 19q13.32.
Variant type: single nucleotide variant.
Coding change: c.66G>C on transcript NM_005184.4 (MANE Select); coding-DNA position 66, G replaced by C.
Protein change: p.Lys22Asn; replaces lysine 22 with asparagine.
Molecular consequence: missense variant. On other transcripts: 5 prime UTR variant (5).
Genome position (GRCh38, 1-based): chr19:46,608,228, G>C. VCF-style: chr19-46608228-G-C. GRCh37 (hg19) VCF-style: chr19-47111485-G-C.
Other names: c.-43G>C (NM_001329921.1, NM_001329923.1, NM_001329924.2 and 2 more transcripts); c.66G>C, p.Lys22Asn (NM_001329922.1); short protein forms K22N.
Identifiers: ClinVar variation 5018433 (VCV005018433.1).

ClinVar aggregate classification (germline): Uncertain significance (1 of 4 stars; one submission).

Submission:

GeneDx
Classification: Uncertain significance. Last evaluated: 2026-04-12. Review status: criteria provided, single submitter. Criteria: GeneDx Variant Classification Process June 2021. Collection method: clinical testing. Allele origin: germline.
Comment: Not observed at significant frequency in large population cohorts (gnomAD); In silico analysis supports that this missense variant has a deleterious effect on protein structure/function; Has not been previously published as pathogenic or benign to our knowledge